The following is an entry in ClinVar:

NM_004006.3(DMD):c.6790C>G (p.Gln2264Glu)

Gene: DMD (dystrophin; minus strand). Cytogenetic location: Xp21.1.
Variant type: single nucleotide variant.
Coding change: c.6790C>G on transcript NM_004006.3 (MANE Select); coding-DNA position 6790, C replaced by G.
Protein change: p.Gln2264Glu; replaces glutamine 2264 with glutamic acid.
Molecular consequence: missense variant. On other transcripts: 5 prime UTR variant (5).
Genome position (GRCh38, 1-based): chrX:31,929,718, G>C on the plus strand (C>G on the coding strand, the complement: DMD is on the minus strand). VCF-style: chrX-31929718-G-C. GRCh37 (hg19) VCF-style: chrX-31947835-G-C.
Other names: c.6766C>G, p.Gln2256Glu (NM_000109.4); c.6778C>G, p.Gln2260Glu (NM_004009.3); c.6421C>G, p.Gln2141Glu (NM_004010.3); c.2767C>G, p.Gln923Glu (NM_004011.4); c.2758C>G, p.Gln920Glu (NM_004012.4); c.-591C>G (NM_004013.3, NM_004020.4, NM_004021.3 and 2 more transcripts); short protein forms Q2141E, Q2260E, Q920E, Q923E, Q2264E, Q2256E.
Identifiers: ClinVar variation 1755452 (VCV001755452.2), dbSNP rs128626252, ClinGen allele CA412658017.

ClinVar aggregate classification (germline): Uncertain significance (1 of 4 stars; one submission).

Conditions:
Cardiovascular phenotype. Identifiers: MedGen CN230736.

Submission:

Ambry Genetics
Classification: Uncertain significance for Cardiovascular phenotype. Last evaluated: 2020-08-17. Review status: criteria provided, single submitter. Criteria: Ambry Variant Classification Scheme 2023. Collection method: clinical testing. Allele origin: germline.
Comment: The p.Q2264E variant (also known as c.6790C>G), located in coding exon 47 of the DMD gene, results from a C to G substitution at nucleotide position 6790. The glutamine at codon 2264 is replaced by glutamic acid, an amino acid with highly similar properties. This amino acid position is well conserved in available vertebrate species. In addition, this alteration is predicted to be tolerated by in silico analysis. Since supporting evidence is limited at this time, the clinical significance of this alteration remains unclear.